The following is an entry in ClinVar:

ClinVar aggregate classification (germline): Benign. Review status: criteria provided, multiple submitters, no conflicts (2 of 4 stars). 13 submissions from 12 submitters: Benign (10). 3 of the submissions do not count toward it. Last evaluated 2026-02-04.

Conditions:
Hypercholesterolemia, familial, 1. Also called: LDL RECEPTOR DISORDER; Hyperlipoproteinemia Type IIa; HYPER-LOW-DENSITY-LIPOPROTEINEMIA; HYPERCHOLESTEROLEMIC XANTHOMATOSIS, FAMILIAL; Fredrickson type IIa hyperlipoproteinemia; Hyperlipoproteinemia type 2. Identifiers: Orphanet 391665, MedGen C0745103, MONDO:0007750, OMIM 143890.
Laron-type isolated somatotropin defect. Also called: Growth hormone binding protein deficiency or dysfunction; Growth hormone receptor deficiency or dysfunction; Laron dwarfism; Laron type pituitary dwarfism I; GROWTH HORMONE RECEPTOR DEFICIENCY; Laron Syndrome. Identifiers: Orphanet 633, MedGen C0271568, MONDO:0009877, OMIM 262500.
Short stature due to partial GHR deficiency. Also called: Growth hormone, insensitivity to, partial; GROWTH HORMONE INSENSITIVITY, PARTIAL; GROWTH HORMONE DEFICIENCY, ISOLATED PARTIAL. Identifiers: Orphanet 314802, Orphanet 314811, MedGen C1858656, MONDO:0011420, OMIM 604271.

Allele frequency attached by ClinVar (database versions not stated): gnomAD 0.42616 and 0.43092; TOPMed 0.43006; gnomAD exomes 0.43615; 1000 Genomes Project 30x 0.43988; ExAC 0.44339; 1000 Genomes Project 0.44449.
gnomAD v4.1: 721,500 of 1,613,300 alleles (45%); highest among the groups gnomAD compares: East Asian, 58%; 162,936 homozygotes.

Submissions (13):

Labcorp Genetics (formerly Invitae), Labcorp
Classification: Benign. Last evaluated: 2026-02-04. Review status: criteria provided, single submitter. Criteria: Invitae Variant Classification Sherloc (09022015). Collection method: clinical testing. Allele origin: germline.

Blueprint Genetics
Classification: Benign. Last evaluated: 2024-11-26. Review status: criteria provided, single submitter. Criteria: ACMG Guidelines, 2015. Collection method: clinical testing. Allele origin: germline.

Genome-Nilou Lab
Classification: Benign for Short stature due to partial GHR deficiency. Last evaluated: 2021-08-10. Review status: criteria provided, single submitter. Criteria: ACMG Guidelines, 2015. Collection method: clinical testing. Allele origin: germline. Affected: no.

Genome-Nilou Lab
Classification: Benign for Laron-type isolated somatotropin defect. Last evaluated: 2021-08-10. Review status: criteria provided, single submitter. Criteria: ACMG Guidelines, 2015. Collection method: clinical testing. Allele origin: germline. Affected: no.

GeneDx
Classification: Benign. Last evaluated: 2018-11-12. Review status: criteria provided, single submitter. Criteria: GeneDx Variant Classification Process June 2021. Collection method: clinical testing. Allele origin: germline. Affected: yes.
Comment: This variant is associated with the following publications: (PMID: 17547682, 12910492, 27862957)

Illumina Laboratory Services, Illumina
Classification: Benign for Laron-type isolated somatotropin defect. Last evaluated: 2018-03-06. Review status: criteria provided, single submitter. Criteria: ICSL Variant Classification Criteria 13 December 2019. Collection method: clinical testing. Allele origin: germline.
Comment: This variant was observed in the ICSL laboratory as part of a predisposition screen in an ostensibly healthy population. It had not been previously curated by ICSL or reported in the Human Gene Mutation Database (HGMD: prior to June 1st, 2018), and was therefore a candidate for classification through an automated scoring system. Utilizing variant allele frequency, disease prevalence and penetrance estimates, and inheritance mode, an automated score was calculated to assess if this variant is too frequent to cause the disease. Based on the score and internal cut-off values, a variant classified as benign is not then subjected to further curation. The score for this variant resulted in a classification of benign for this disease.

Athena Diagnostics
Classification: Benign for Laron-type isolated somatotropin defect. Last evaluated: 2017-06-29. Review status: criteria provided, single submitter. Criteria: Athena Diagnostics Criteria. Collection method: clinical testing. Allele origin: germline.

Eurofins Ntd Llc (ga)
Classification: Benign. Last evaluated: 2014-12-17. Review status: criteria provided, single submitter. Criteria: EGL Classification Definitions 2015. Collection method: clinical testing. Allele origin: germline. Observed: 3 variant alleles, 2 heterozygotes, 1 homozygote.

Breakthrough Genomics
Classification: Benign. Review status: criteria provided, single submitter. Criteria: ACMG Guidelines, 2015. Collection method: not provided. Allele origin: germline. Inheritance: Autosomal recessive inheritance. Affected: yes.

PreventionGenetics, part of Exact Sciences
Classification: Benign. Review status: criteria provided, single submitter. Criteria: ACMG Guidelines, 2015. Collection method: clinical testing. Allele origin: germline.

OMIM
Classification: risk factor for HYPERCHOLESTEROLEMIA, FAMILIAL, MODIFIER OF. Last evaluated: 2003-08-30. Review status: no assertion criteria provided. Collection method: literature only. Allele origin: germline. Not counted in ClinVar's aggregate classification.

Clinical Genetics DNA and cytogenetics Diagnostics Lab, Erasmus MC, Erasmus Medical Center
Classification: Benign. Review status: no assertion criteria provided. Collection method: clinical testing. Allele origin: germline. Affected: yes. Study: VKGL Data-share Consensus. Not counted in ClinVar's aggregate classification.

Diagnostic Laboratory, Department of Genetics, University Medical Center Groningen
Classification: Benign. Review status: no assertion criteria provided. Collection method: clinical testing. Allele origin: germline. Affected: yes. Study: VKGL Data-share Consensus. Not counted in ClinVar's aggregate classification.

Literature cited by the submitters: PubMed 12910492 (cited by OMIM).

NM_000163.5(GHR):c.1630A>C (p.Ile544Leu)

Gene: GHR (growth hormone receptor; plus strand). Cytogenetic location: 5p12.
Variant type: single nucleotide variant.
Coding change: c.1630A>C on transcript NM_000163.5 (MANE Select); coding-DNA position 1630, A replaced by C.
Protein change: p.Ile544Leu; replaces isoleucine 544 with leucine.
Molecular consequence: missense variant. On other transcripts: 3 prime UTR variant (1).
Genome position (GRCh38, 1-based): chr5:42,719,137, A>C. VCF-style: chr5-42719137-A-C. GRCh37 (hg19) VCF-style: chr5-42719239-A-C.
Other names: L526I; c.1651A>C, p.Ile551Leu (NM_001242399.2); c.1630A>C, p.Ile544Leu (NM_001242400.2, NM_001242401.4, NM_001242402.2 and 4 more transcripts); c.1564A>C, p.Ile522Leu (NM_001242460.2); c.*672A>C (NM_001242462.1); short protein forms I544L, I522L, I551L.
Identifiers: ClinVar variation 8658 (VCV000008658.34), dbSNP rs6180, ClinGen allele CA200655.
Genomic context (GRCh38, chr5:42,719,137, plus strand): 5'-TGCCAAGAAAACTTCCTTATGGACAATGCCTACTTCTGTGAGGCAGATGCCAAAAAGTGC[A>C]TCCCTGTGGCTCCTCACATCAAGGTTGAATCACACATACAGCCAAGCTTAAACCAAGAGG-3'
Protein context (NP_000154.1, residues 534-554): YFCEADAKKC[Ile544Leu]PVAPHIKVES